The following is an entry in ClinVar:

NM_006766.5(KAT6A):c.5248_5257del (p.Ala1749_Thr1750insTer)

Gene: KAT6A (lysine acetyltransferase 6A; minus strand). Cytogenetic location: 8p11.21.
Variant type: Deletion.
Coding change: c.5248_5257del on transcript NM_006766.5 (MANE Select); coding-DNA positions 5248 to 5257, 10 bases deleted (ACCTTCAGCC; older notation c.5248_5257delACCTTCAGCC).
Protein change: p.Ala1749_Thr1750insTer.
Molecular consequence: nonsense.
Genome position (GRCh38, 1-based): chr8:41,932,963-41,932,972, GGCTGAAGGT deleted on the plus strand (ACCTTCAGCC on the coding strand, the reverse complement: KAT6A is on the minus strand); deleting any 10 consecutive bases within chr8:41,932,963-41,932,978 gives the same sequence; the c. name uses the placement nearest the transcript's 3' end. VCF-style (leftmost placement, unchanged base first): chr8-41932962-AGGCTGAAGGT-A. GRCh37 (hg19) VCF-style: chr8-41790480-AGGCTGAAGGT-A.
Identifiers: ClinVar variation 523923 (VCV000523923.2), dbSNP rs1554679415, ClinGen allele CA658797087.

ClinVar aggregate classification (germline): Likely pathogenic (1 of 4 stars; one submission).

Submission:

GeneDx
Classification: Likely pathogenic. Last evaluated: 2018-03-20. Review status: criteria provided, single submitter. Criteria: GeneDx Variant Classification (06012015). Collection method: clinical testing. Allele origin: germline. Affected: yes.
Comment: The c.5248_5257del10 variant in the KAT6A gene has not been reported previously as a pathogenic variant nor as a benign variant, to our knowledge. The c.5248_5257del10 variant causes a frameshift at codon Threonine 1750, changing this residue a premature Stop codon, denoted p.Thr1750Ter. This variant is predicted to cause loss of normal protein function through protein truncation. The c.5248_5257del10 variant is not observed in large population cohorts (Lek et al., 2016). We interpret c.5248_5257del10 as a likely pathogenic variant.